The following is an entry in ClinVar:

NM_014975.3(MAST1):c.2953C>T (p.Arg985Cys)

Gene: MAST1 (microtubule associated serine/threonine kinase 1; plus strand). Cytogenetic location: 19p13.13.
Variant type: single nucleotide variant.
Coding change: c.2953C>T on transcript NM_014975.3 (MANE Select); coding-DNA position 2953, C replaced by T.
Protein change: p.Arg985Cys; replaces arginine 985 with cysteine.
Molecular consequence: missense variant.
Genome position (GRCh38, 1-based): chr19:12,869,245, C>T. VCF-style: chr19-12869245-C-T. GRCh37 (hg19) VCF-style: chr19-12980059-C-T.
Other names: short protein forms R985C.
Identifiers: ClinVar variation 4997585 (VCV004997585.1).
Genomic context (GRCh38, chr19:12,869,245, plus strand): 5'-CGCTCCCCCATCACCATCCAGCGCTCGGGCAAGAAGTATGGCTTCACACTGCGTGCCATC[C>T]GTGTCTACATGGGTGACACGGATGTCTATAGTGTCCACCACATTGTCTGGGTGAGTACTC-3'
Protein context (NP_055790.1, residues 975-995): KKYGFTLRAI[Arg985Cys]VYMGDTDVYS

ClinVar aggregate classification (germline): Uncertain significance (1 of 4 stars; one submission).

Conditions:
MAST1-related disorder. Also called: MAST1-related condition.

gnomAD v4.1: 1 of 1,614,098 alleles (0.000062%); highest among the groups gnomAD compares: Non-Finnish European, 0.000085%; no homozygotes.

Submission:

PreventionGenetics, part of Exact Sciences
Classification: Uncertain significance for MAST1-related condition. Last evaluated: 2024-12-30. Review status: criteria provided, single submitter. Criteria: ACMG Guidelines, 2015. Collection method: clinical testing. Allele origin: germline.
Comment: The MAST1 c.2953C>T variant is predicted to result in the amino acid substitution p.Arg985Cys. To our knowledge, this variant has not been reported in the literature or in a large population database (gnomAD), indicating this variant is rare. At this time, the clinical significance of this variant is uncertain due to the absence of conclusive functional and genetic evidence.